The following is an entry in ClinVar:

NM_017654.4(SAMD9):c.2982A>C (p.Glu994Asp)

Gene: SAMD9 (sterile alpha motif domain containing 9; minus strand). Cytogenetic location: 7q21.2.
Variant type: single nucleotide variant.
Coding change: c.2982A>C on transcript NM_017654.4 (MANE Select); coding-DNA position 2982, A replaced by C.
Protein change: p.Glu994Asp; replaces glutamic acid 994 with aspartic acid.
Molecular consequence: missense variant.
Genome position (GRCh38, 1-based): chr7:93,103,116, T>G on the plus strand (A>C on the coding strand, the complement: SAMD9 is on the minus strand). VCF-style: chr7-93103116-T-G. GRCh37 (hg19) VCF-style: chr7-92732429-T-G.
Other names: c.2982A>C, p.Glu994Asp (NM_001193307.2); short protein forms E994D.
Identifiers: ClinVar variation 3949477 (VCV003949477.1).

ClinVar aggregate classification (germline): Uncertain significance (1 of 4 stars; one submission).

Conditions:
Inborn genetic diseases. Identifiers: MedGen C0950123, MeSH D030342.

Submission:

Ambry Genetics
Classification: Uncertain significance for Inborn genetic diseases. Last evaluated: 2025-03-25. Review status: criteria provided, single submitter. Criteria: Ambry Variant Classification Scheme 2023. Collection method: clinical testing. Allele origin: germline.
Comment: The p.E994D variant (also known as c.2982A>C), located in coding exon 1 of the SAMD9 gene, results from an A to C substitution at nucleotide position 2982. The glutamic acid at codon 994 is replaced by aspartic acid, an amino acid with highly similar properties. This amino acid position is conserved. In addition, this alteration is predicted to be tolerated by in silico analysis. Based on the available evidence, the clinical significance of this variant remains unclear.